The following is an entry in ClinVar:

NM_000264.5(PTCH1):c.1628G>A (p.Arg543His)

Gene: PTCH1 (patched 1; minus strand). Cytogenetic location: 9q22.32.
Variant type: single nucleotide variant.
Coding change: c.1628G>A on transcript NM_000264.5 (MANE Select); coding-DNA position 1628, G replaced by A.
Protein change: p.Arg543His; replaces arginine 543 with histidine.
Molecular consequence: missense variant. On other transcripts: non-coding transcript variant (1).
Genome position (GRCh38, 1-based): chr9:95,476,134, C>T on the plus strand (G>A on the coding strand, the complement: PTCH1 is on the minus strand). VCF-style: chr9-95476134-C-T. GRCh37 (hg19) VCF-style: chr9-98238416-C-T.
Other names: c.1430G>A, p.Arg477His (NM_001083602.3); c.1625G>A, p.Arg542His (NM_001083603.3); c.1175G>A, p.Arg392His (NM_001083604.3, NM_001083605.3, NM_001083606.3 and 1 more transcripts); c.1472G>A, p.Arg491His (NM_001354918.2); short protein forms R543H, R477H, R392H, R491H, R542H.
Identifiers: ClinVar variation 409138 (VCV000409138.19), dbSNP rs150284288, ClinGen allele CA5138595.

ClinVar aggregate classification (germline): Conflicting classifications of pathogenicity. Review status: criteria provided, conflicting classifications (1 of 4 stars). 4 submissions from 4 submitters: Uncertain significance (2); Likely benign (2). Last evaluated 2025-07-10.

Conditions:
Hereditary cancer-predisposing syndrome. Also called: Hereditary neoplastic syndrome; Tumor predisposition; Hereditary Cancer Syndrome; Neoplastic Syndromes, Hereditary. Identifiers: Orphanet 140162, MedGen C0027672, MeSH D009386, MONDO:0015356.
Gorlin syndrome. Also called: Basal cell nevus syndrome; Nevoid Basal Cell Carcinoma Syndrome. Identifiers: Orphanet 377, MedGen C0004779, MONDO:0007187.

Allele frequency attached by ClinVar (database versions not stated): ExAC 0.00001; TOPMed 0.00002; gnomAD 0.00001; gnomAD exomes 0.00001 and 0.00002; ESP Exome Variant Server 0.00008.
gnomAD v4.1: 14 of 1,613,044 alleles (0.00087%); highest among the groups gnomAD compares: Admixed American, 0.0033%; no homozygotes.

Submissions (4):

Labcorp Genetics (formerly Invitae), Labcorp
Classification: Likely benign for Gorlin syndrome. Last evaluated: 2025-07-10. Review status: criteria provided, single submitter. Criteria: Invitae Variant Classification Sherloc (09022015). Collection method: clinical testing. Allele origin: germline.

Dasa
Classification: Uncertain significance. Last evaluated: 2025-04-09. Review status: criteria provided, single submitter. Criteria: DASA Assertion Criteria. Collection method: clinical testing. Allele origin: germline.
Comment: NM_000264.5(PTCH1):c.1628G>A (p.Arg543His) is a missense variant that results in the substitution of arginine with histidine. This variant is rare in population databases. Computational prediction algorithms are consistent with a deleterious effect. The currently available literature and clinical evidence are not sufficient to establish a definitive association between this variant and the reported condition. Therefore, this variant is classified as a variant of uncertain significance.

Ambry Genetics
Classification: Likely benign for Hereditary cancer-predisposing syndrome. Last evaluated: 2023-02-06. Review status: criteria provided, single submitter. Criteria: Ambry Variant Classification Scheme 2023. Collection method: clinical testing. Allele origin: germline.

Sema4
Classification: Uncertain significance for Hereditary cancer-predisposing syndrome. Last evaluated: 2021-06-30. Review status: criteria provided, single submitter. Criteria: Sema4 Curation Guidelines. Collection method: curation. Allele origin: germline.
Comment: To the best of our knowledge, the PTCH1 c.1628G>A (p.R543H) variant has not been reported in individuals with PTCH1-related disease. This variant was observed in 1/10020 chromosomes in the Ashkenazi Jewish population according to the Genome Aggregation Database (PMID: 32461654) and has been reported in ClinVar (Variation ID: 409138). In silico tools suggest the impact of the variant on protein function is deleterious, though these predictions have not been confirmed by functional studies. Based on the current evidence available, this variant is interpreted as a variant of uncertain significance.